The following is an entry in ClinVar:

NM_000342.4(SLC4A1):c.2712C>T (p.Tyr904=)

Gene: SLC4A1 (solute carrier family 4 member 1 (Diego blood group); minus strand). Cytogenetic location: 17q21.31.
Variant type: single nucleotide variant.
Coding change: c.2712C>T on transcript NM_000342.4 (MANE Select); coding-DNA position 2712, C replaced by T.
Protein change: p.Tyr904=; no amino-acid change (tyrosine 904 retained).
Molecular consequence: synonymous variant.
Genome position (GRCh38, 1-based): chr17:44,250,482, G>A on the plus strand (C>T on the coding strand, the complement: SLC4A1 is on the minus strand). VCF-style: chr17-44250482-G-A. GRCh37 (hg19) VCF-style: chr17-42327850-G-A.
Other names: p.Tyr904=.
Identifiers: ClinVar variation 255913 (VCV000255913.32), dbSNP rs45519733, ClinGen allele CA8599950.

ClinVar aggregate classification (germline): Benign/Likely benign. Review status: criteria provided, multiple submitters, no conflicts (2 of 4 stars). 10 submissions from 8 submitters: Benign (8); Likely benign (2). Last evaluated 2026-01-27.

Conditions:
Hereditary spherocytosis type 4. Also called: SLC4A1-Related Spherocytosis. Identifiers: Orphanet 822, MedGen C2675212, MONDO:0012981, OMIM 612653.
Southeast Asian ovalocytosis. Also called: Stomatocytic elliptocytosis, hereditary; Ovalocytosis, Malaysian-Melanesian-Filipino type; HE, STOMATOCYTIC; Elliptocytosis 4. Identifiers: Orphanet 98868, MedGen C1862322, MONDO:0008165, OMIM 166900.
Cryohydrocytosis. Also called: STOMATOCYTOSIS, COLD-SENSITIVE; CRYOHYDROCYTOSIS DUE TO BAND 3 HEMEL; CRYOHYDROCYTOSIS DUE TO BAND 3 HURSTPIERPOINT; CRYOHYDROCYTOSIS DUE TO BAND 3 BLACKBURN; Hereditary cryohydrocytosis with normal stomatin. Identifiers: Orphanet 398088, MedGen C1861453, MONDO:0008494, OMIM 185020.
Autosomal dominant distal renal tubular acidosis (DRTA1). Also called: RTA, CLASSIC TYPE; RTA, DISTAL TYPE, AUTOSOMAL DOMINANT; RTA, GRADIENT TYPE; Renal Tubular Acidosis, Type I; RENAL TUBULAR ACIDOSIS, DISTAL, 1. Identifiers: Orphanet 93608, MedGen CN280572, MONDO:0008368, OMIM 179800.
Renal tubular acidosis, distal, 4, with hemolytic anemia. Also called: Renal Tubular Acidosis, Distal, with Hemolytic Anemia. Identifiers: Orphanet 93610, MedGen C5436235, MONDO:0012700, OMIM 611590.
Malaria, susceptibility to. Identifiers: Orphanet 673, MedGen C1970028, MONDO:0021024, OMIM 611162.
BLOOD GROUP--SWANN SYSTEM (SW). Also called: SWANN BLOOD GROUP. Identifiers: MedGen C1832169, OMIM 601550.
BLOOD GROUP--DIEGO SYSTEM (DI). Identifiers: MedGen C1292286, OMIM 110500.
BLOOD GROUP, WALDNER (WD). Also called: WALDNER BLOOD GROUP ANTIGEN. Identifiers: MedGen C1862191, OMIM 112010.
BLOOD GROUP--FROESE (FR). Also called: FROESE BLOOD GROUP ANTIGEN. Identifiers: MedGen C1832168, OMIM 601551.
BLOOD GROUP--WRIGHT ANTIGEN (WR). Identifiers: MedGen C1862190, OMIM 112050.
Hemolytic anemia. Identifiers: MedGen C0002878, MONDO:0003664, HP:0001878.

Allele frequency attached by ClinVar (database versions not stated): 1000 Genomes Project 30x 0.01234; 1000 Genomes Project 0.01278; TOPMed 0.01705; gnomAD 0.01857 and 0.01868; gnomAD exomes 0.01993 and 0.02599; ExAC 0.02018; ESP Exome Variant Server 0.02222.

Submissions (10):

Labcorp Genetics (formerly Invitae), Labcorp
Classification: Benign. Last evaluated: 2026-01-27. Review status: criteria provided, single submitter. Criteria: Invitae Variant Classification Sherloc (09022015). Collection method: clinical testing. Allele origin: germline.

ARUP Laboratories, Molecular Genetics and Genomics, ARUP Laboratories
Classification: Benign. Last evaluated: 2025-07-28. Review status: criteria provided, single submitter. Criteria: ARUP Molecular Germline Variant Investigation Process 2024. Collection method: clinical testing. Allele origin: germline.

Blueprint Genetics
Classification: Likely benign. Last evaluated: 2024-11-27. Review status: criteria provided, single submitter. Criteria: ACMG Guidelines, 2015. Collection method: clinical testing. Allele origin: germline.

Mayo Clinic Laboratories, Mayo Clinic
Classification: Benign. Last evaluated: 2022-11-14. Review status: criteria provided, single submitter. Criteria: ACMG Guidelines, 2015. Collection method: clinical testing. Allele origin: germline. Observed: 89 variant alleles.
Comment: BS1, BS2, BP4, BP7

Fulgent Genetics
Classification: Likely benign for BLOOD GROUP--DIEGO SYSTEM; BLOOD GROUP, WALDNER; BLOOD GROUP--WRIGHT ANTIGEN; Southeast Asian ovalocytosis; Autosomal dominant distal renal tubular acidosis; Cryohydrocytosis; BLOOD GROUP--SWANN SYSTEM; BLOOD GROUP--FROESE; Malaria, susceptibility to; Renal tubular acidosis, distal, 4, with hemolytic anemia; Hereditary spherocytosis type 4. Last evaluated: 2021-07-19. Review status: criteria provided, single submitter. Criteria: ACMG Guidelines, 2015. Collection method: clinical testing. Allele origin: unknown.

Illumina Laboratory Services, Illumina
Classification: Benign for Autosomal dominant distal renal tubular acidosis. Last evaluated: 2018-01-12. Review status: criteria provided, single submitter. Criteria: ICSL Variant Classification Criteria 13 December 2019. Collection method: clinical testing. Allele origin: germline.
Comment: This variant was observed in the ICSL laboratory as part of a predisposition screen in an ostensibly healthy population. It had not been previously curated by ICSL or reported in the Human Gene Mutation Database (HGMD: prior to June 1st, 2018), and was therefore a candidate for classification through an automated scoring system. Utilizing variant allele frequency, disease prevalence and penetrance estimates, and inheritance mode, an automated score was calculated to assess if this variant is too frequent to cause the disease. Based on the score and internal cut-off values, a variant classified as benign is not then subjected to further curation. The score for this variant resulted in a classification of benign for this disease.

Illumina Laboratory Services, Illumina
Classification: Benign for Hemolytic anemia. Last evaluated: 2018-01-12. Review status: criteria provided, single submitter. Criteria: ICSL Variant Classification Criteria 13 December 2019. Collection method: clinical testing. Allele origin: germline.
Comment: the same text as in the submission from Illumina Laboratory Services, Illumina above.

Illumina Laboratory Services, Illumina
Classification: Benign for Hereditary spherocytosis type 4. Last evaluated: 2018-01-12. Review status: criteria provided, single submitter. Criteria: ICSL Variant Classification Criteria 13 December 2019. Collection method: clinical testing. Allele origin: germline.
Comment: the same text as in the submission from Illumina Laboratory Services, Illumina above.

Breakthrough Genomics
Classification: Benign. Review status: criteria provided, single submitter. Criteria: ACMG Guidelines, 2015. Collection method: not provided. Allele origin: germline. Inheritance: Autosomal recessive inheritance. Affected: yes.

PreventionGenetics, part of Exact Sciences
Classification: Benign. Review status: criteria provided, single submitter. Criteria: ACMG Guidelines, 2015. Collection method: clinical testing. Allele origin: germline.